The following is an entry in ClinVar:

ClinVar aggregate classification (germline): Uncertain significance (1 of 4 stars; one submission).

Conditions:
Cardiovascular phenotype. Identifiers: MedGen CN230736.

gnomAD v4.1: 39 of 1,614,030 alleles (0.0024%); highest among the groups gnomAD compares: Non-Finnish European, 0.0032%; no homozygotes.

Submission:

Ambry Genetics
Classification: Uncertain significance for Cardiovascular phenotype. Last evaluated: 2022-04-04. Review status: criteria provided, single submitter. Criteria: Ambry Variant Classification Scheme 2023. Collection method: clinical testing. Allele origin: germline.
Comment: The p.N384K variant (also known as c.1152C>A), located in coding exon 8 of the ABCG8 gene, results from a C to A substitution at nucleotide position 1152. The asparagine at codon 384 is replaced by lysine, an amino acid with similar properties. This amino acid position is conserved. In addition, this alteration is predicted to be tolerated by in silico analysis. Since supporting evidence is limited at this time, the clinical significance of this alteration remains unclear.

NM_022437.3(ABCG8):c.1152C>A (p.Asn384Lys)

Gene: ABCG8 (ATP binding cassette subfamily G member 8; plus strand). Cytogenetic location: 2p21.
Variant type: single nucleotide variant.
Coding change: c.1152C>A on transcript NM_022437.3 (MANE Select); coding-DNA position 1152, C replaced by A.
Protein change: p.Asn384Lys; replaces asparagine 384 with lysine.
Molecular consequence: missense variant.
Genome position (GRCh38, 1-based): chr2:43,872,247, C>A. VCF-style: chr2-43872247-C-A. GRCh37 (hg19) VCF-style: chr2-44099386-C-A.
Other names: c.1149C>A, p.Asn383Lys (NM_001357321.2); short protein forms N383K, N384K.
Identifiers: ClinVar variation 1734329 (VCV001734329.2), dbSNP rs1426658542, ClinGen allele CA346669096.